The following is an entry in ClinVar:

NM_003119.4(SPG7):c.1324+3852A>G

Gene: SPG7 (SPG7 matrix AAA peptidase subunit, paraplegin; plus strand). Cytogenetic location: 16q24.3.
Variant type: single nucleotide variant.
Coding change: c.1324+3852A>G on transcript NM_003119.4 (MANE Select); 3852 bases into the intron after coding-DNA position 1324, A replaced by G.
Molecular consequence: intron variant.
Genome position (GRCh38, 1-based): chr16:89,536,488, A>G. VCF-style: chr16-89536488-A-G. GRCh37 (hg19) VCF-style: chr16-89602896-A-G.
Other names: c.1324+3852A>G (NM_001363850.1); c.1325-277A>G (NM_199367.3).
Identifiers: ClinVar variation 671601 (VCV000671601.1), dbSNP rs1238669262, ClinGen allele CA624244785.

ClinVar aggregate classification (germline): Benign (1 of 4 stars; one submission).

gnomAD v4.1: 2,219 of 40,490 alleles (5.5%); highest among the groups gnomAD compares: East Asian, 13%; 350 homozygotes.

Submission:

GeneDx
Classification: Benign. Last evaluated: 2018-06-14. Review status: criteria provided, single submitter. Criteria: GeneDx Variant Classification (06012015). Collection method: clinical testing. Allele origin: germline. Affected: yes.
Comment: This variant is considered likely benign or benign based on one or more of the following criteria: it is a conservative change, it occurs at a poorly conserved position in the protein, it is predicted to be benign by multiple in silico algorithms, and/or has population frequency not consistent with disease.